The following is an entry in ClinVar:

NM_002439.5(MSH3):c.2884A>G (p.Ile962Val)

Gene: MSH3 (mutS homolog 3; plus strand). Cytogenetic location: 5q14.1.
Variant type: single nucleotide variant.
Coding change: c.2884A>G on transcript NM_002439.5 (MANE Select); coding-DNA position 2884, A replaced by G.
Protein change: p.Ile962Val; replaces isoleucine 962 with valine.
Molecular consequence: missense variant.
Genome position (GRCh38, 1-based): chr5:80,854,200, A>G. VCF-style: chr5-80854200-A-G. GRCh37 (hg19) VCF-style: chr5-80150019-A-G.
Other names: c.2884A>G (NM_002439.3); short protein forms I962V.
Identifiers: ClinVar variation 639166 (VCV000639166.11), dbSNP rs1561500002, ClinGen allele CA360275613.
Genomic context (GRCh38, chr5:80,854,200, plus strand): 5'-GCAGACAATATATATAAAGGACAGAGTACATTTATGGAAGAACTGACTGACACAGCAGAA[A>G]TAATCAGAAAAGCAACATCACAGTCCTTGGTTATCTTGGATGAACTAGGAAGAGGGACGA-3'
Protein context (NP_002430.3, residues 952-972): FMEELTDTAE[Ile962Val]IRKATSQSLV

ClinVar aggregate classification (germline): Uncertain significance. Review status: criteria provided, multiple submitters, no conflicts (2 of 4 stars). 2 submissions from 2 submitters: Uncertain significance (2). Last evaluated 2025-02-04.

Conditions:
Hereditary cancer-predisposing syndrome. Also called: Neoplastic Syndromes, Hereditary; Tumor predisposition; Hereditary Cancer Syndrome; Hereditary neoplastic syndrome. Identifiers: Orphanet 140162, MedGen C0027672, MeSH D009386, MONDO:0015356.

Allele frequency attached by ClinVar (database versions not stated): gnomAD exomes below 0.00001.
gnomAD v4.1: 1 of 1,613,928 alleles (0.000062%); highest among the groups gnomAD compares: Non-Finnish European, 0.000085%; no homozygotes.

Submissions (2):

Ambry Genetics
Classification: Uncertain significance for Hereditary cancer-predisposing syndrome. Last evaluated: 2025-02-04. Review status: criteria provided, single submitter. Criteria: Ambry Variant Classification Scheme 2023. Collection method: clinical testing. Allele origin: germline.
Comment: The p.I962V variant (also known as c.2884A>G), located in coding exon 21 of the MSH3 gene, results from an A to G substitution at nucleotide position 2884. The isoleucine at codon 962 is replaced by valine, an amino acid with highly similar properties. This amino acid position is conserved. In addition, the in silico prediction for this alteration is inconclusive. Since supporting evidence is limited at this time, the clinical significance of this alteration remains unclear.

Labcorp Genetics (formerly Invitae), Labcorp
Classification: Uncertain significance. Last evaluated: 2024-07-22. Review status: criteria provided, single submitter. Criteria: Invitae Variant Classification Sherloc (09022015). Collection method: clinical testing. Allele origin: germline.
Comment: This sequence change replaces isoleucine, which is neutral and non-polar, with valine, which is neutral and non-polar, at codon 962 of the MSH3 protein (p.Ile962Val). This variant is not present in population databases (gnomAD no frequency). This variant has not been reported in the literature in individuals affected with MSH3-related conditions. ClinVar contains an entry for this variant (Variation ID: 639166). An algorithm developed to predict the effect of missense changes on protein structure and function (PolyPhen-2) suggests that this variant is likely to be disruptive. In summary, the available evidence is currently insufficient to determine the role of this variant in disease. Therefore, it has been classified as a Variant of Uncertain Significance.